The following is an entry in ClinVar:

ClinVar aggregate classification (germline): Uncertain significance (1 of 4 stars; one submission).

Allele frequency attached by ClinVar (database versions not stated): gnomAD 0.00001 and 0.00005; 1000 Genomes Project 0.00040; 1000 Genomes Project 30x 0.00047.
gnomAD v4.1: 41 of 1,611,828 alleles (0.0025%); highest among the groups gnomAD compares: South Asian, 0.018%; no homozygotes.

Submission:

Labcorp Genetics (formerly Invitae), Labcorp
Classification: Uncertain significance. Last evaluated: 2022-07-21. Review status: criteria provided, single submitter. Criteria: Invitae Variant Classification Sherloc (09022015). Collection method: clinical testing. Allele origin: germline.
Comment: This sequence change falls in intron 14 of the MYO18B gene. It does not directly change the encoded amino acid sequence of the MYO18B protein. It affects a nucleotide within the consensus splice site. This variant is present in population databases (rs537413306, gnomAD 0.02%). This variant has not been reported in the literature in individuals affected with MYO18B-related conditions. ClinVar contains an entry for this variant (Variation ID: 1369139). Variants that disrupt the consensus splice site are a relatively common cause of aberrant splicing (PMID: 17576681, 9536098). Algorithms developed to predict the effect of sequence changes on RNA splicing suggest that this variant is not likely to affect RNA splicing. In summary, the available evidence is currently insufficient to determine the role of this variant in disease. Therefore, it has been classified as a Variant of Uncertain Significance.

Literature cited by the submitters: PubMed 17576681; PubMed 9536098.

NM_032608.7(MYO18B):c.2786+5C>T

Gene: MYO18B (myosin XVIIIB; plus strand). Cytogenetic location: 22q12.1.
Variant type: single nucleotide variant.
Coding change: c.2786+5C>T on transcript NM_032608.7 (MANE Select); 5 bases into the intron after coding-DNA position 2786, C replaced by T.
Molecular consequence: intron variant.
Genome position (GRCh38, 1-based): chr22:25,826,504, C>T. VCF-style: chr22-25826504-C-T. GRCh37 (hg19) VCF-style: chr22-26222471-C-T.
Other names: c.2786+5C>T (NM_001318245.2).
Identifiers: ClinVar variation 1369139 (VCV001369139.3), dbSNP rs537413306, ClinGen allele CA10160313.
Genomic context (GRCh38, chr22:25,826,504, plus strand): 5'-ATGGCCTCGGGCCTGTACCAGGAACTCTTTGCGGCTGTGGTCTCACTCATCAACAGGTAA[C>T]GGGGCCTTTTCCTAGGCACACAGTTGGCCTCTTGCAGGTGCACAGATGAATTCACATACC-3'